The following is an entry in ClinVar:

NM_001876.4(CPT1A):c.1806G>A (p.Thr602=)

Gene: CPT1A (carnitine palmitoyltransferase 1A; minus strand). Cytogenetic location: 11q13.3.
Variant type: single nucleotide variant.
Coding change: c.1806G>A on transcript NM_001876.4 (MANE Select); coding-DNA position 1806, G replaced by A.
Protein change: p.Thr602=; no amino-acid change (threonine 602 retained).
Molecular consequence: synonymous variant.
Genome position (GRCh38, 1-based): chr11:68,762,696, C>T on the plus strand (G>A on the coding strand, the complement: CPT1A is on the minus strand). VCF-style: chr11-68762696-C-T. GRCh37 (hg19) VCF-style: chr11-68530164-C-T.
Other names: c.1806G>A, p.Thr602= (NM_001031847.3).
Identifiers: ClinVar variation 706826 (VCV000706826.12), dbSNP rs866075317, ClinGen allele CA223366853.

ClinVar aggregate classification (germline): Likely benign. Review status: criteria provided, single submitter (1 of 4 stars). 2 submissions from 2 submitters: Likely benign (1). 1 of the submissions does not count toward it. Last evaluated 2025-12-23.

Conditions:
CPT1A-related disorder. Also called: CPT1A-related condition.
Carnitine palmitoyl transferase 1A deficiency. Also called: CPT I DEFICIENCY; CPT DEFICIENCY, HEPATIC, TYPE I; Carnitine palmitoyltransferase type I deficiency; Carnitine palmitoyltransferase 1A deficiency; CPT deficiency, hepatic, type IA. Identifiers: Orphanet 156, MedGen C1829703, MONDO:0009705, OMIM 255120.

Allele frequency attached by ClinVar (database versions not stated): gnomAD exomes 0.00001; TOPMed 0.00002.
gnomAD v4.1: 21 of 1,614,054 alleles (0.0013%); highest among the groups gnomAD compares: Middle Eastern, 0.066%; no homozygotes.

Submissions (2):

Labcorp Genetics (formerly Invitae), Labcorp
Classification: Likely benign for Carnitine palmitoyl transferase 1A deficiency. Last evaluated: 2025-12-23. Review status: criteria provided, single submitter. Criteria: Invitae Variant Classification Sherloc (09022015). Collection method: clinical testing. Allele origin: germline.

PreventionGenetics, part of Exact Sciences
Classification: Likely benign for CPT1A-related condition. Last evaluated: 2019-02-28. Review status: no assertion criteria provided. Collection method: clinical testing. Allele origin: germline. Not counted in ClinVar's aggregate classification.
Comment: This variant is classified as likely benign based on ACMG/AMP sequence variant interpretation guidelines (Richards et al. 2015 PMID: 25741868, with internal and published modifications).